The following is an entry in ClinVar:

ClinVar aggregate classification (germline): Uncertain significance (1 of 4 stars; one submission).

gnomAD v4.1: 4 of 1,614,168 alleles (0.00025%); highest among the groups gnomAD compares: Non-Finnish European, 0.00034%; no homozygotes.

Submission:

Dasa
Classification: Uncertain significance. Last evaluated: 2025-12-22. Review status: criteria provided, single submitter. Criteria: DASA Assertion Criteria. Collection method: clinical testing. Allele origin: germline.
Comment: NM_018489.3(ASH1L):c.178G>A (p.Ala60Thr) is a missense variant that results in the substitution of alanine with threonine. This variant is rare in population databases. The currently available literature and clinical evidence are not sufficient to establish a definitive association between this variant and the reported condition. Therefore, this variant is classified as a variant of uncertain significance.

NM_018489.3(ASH1L):c.178G>A (p.Ala60Thr)

Gene: ASH1L (ASH1 like histone lysine methyltransferase; minus strand). Cytogenetic location: 1q22.
Variant type: single nucleotide variant.
Coding change: c.178G>A on transcript NM_018489.3 (MANE Select); coding-DNA position 178, G replaced by A.
Protein change: p.Ala60Thr; replaces alanine 60 with threonine.
Molecular consequence: missense variant.
Genome position (GRCh38, 1-based): chr1:155,521,342, C>T on the plus strand (G>A on the coding strand, the complement: ASH1L is on the minus strand). VCF-style: chr1-155521342-C-T. GRCh37 (hg19) VCF-style: chr1-155491133-C-T.
Other names: c.178G>A, p.Ala60Thr (NM_001366177.2); short protein forms A60T.
Identifiers: ClinVar variation 5020757 (VCV005020757.1).
Genomic context (GRCh38, chr1:155,521,342, plus strand): 5'-AGTTTGTTTCTTTCACTGAAAACTGTTGCTGTGCATCAGTCAAACCATCATCTTTCCCAG[C>T]TTCGATGTTTCTTTCTCGATTCCGTTTGCGAAGGTCCTCTTCCTCCTTTGTGTTTTTTTC-3'
Protein context (NP_060959.2, residues 50-70): RKRNRERNIE[Ala60Thr]GKDDGLTDAQ